The following is an entry in ClinVar:

NM_003742.4(ABCB11):c.2152A>G (p.Lys718Glu)

Gene: ABCB11 (ATP binding cassette subfamily B member 11; minus strand). Cytogenetic location: 2q31.1.
Variant type: single nucleotide variant.
Coding change: c.2152A>G on transcript NM_003742.4 (MANE Select); coding-DNA position 2152, A replaced by G.
Protein change: p.Lys718Glu; replaces lysine 718 with glutamic acid.
Molecular consequence: missense variant.
Genome position (GRCh38, 1-based): chr2:168,964,232, T>C on the plus strand (A>G on the coding strand, the complement: ABCB11 is on the minus strand). VCF-style: chr2-168964232-T-C. GRCh37 (hg19) VCF-style: chr2-169820742-T-C.
Other names: short protein forms K718E.
Identifiers: ClinVar variation 4846070 (VCV004846070.1).
Genomic context (GRCh38, chr2:168,964,232, plus strand): 5'-TTCCATTCCCCCCCATAAGCAGTTGGTGCCTGACCTTTCTATCTTCTTCATAGGTAGACT[T>C]ATGATCTACAACAGCTAATGGAGGTTCGTGCACCAGGTAAGAAAGCTGAGACTTGGAGCG-3'
Protein context (NP_003733.2, residues 708-728): HEPPLAVVDH[Lys718Glu]STYEEDRKDK

ClinVar aggregate classification (germline): Uncertain significance (1 of 4 stars; one submission).

Conditions:
Familial intrahepatic cholestasis. Identifiers: Orphanet 284385, MedGen CN296401, MONDO:0017290.

Submission:

Genomenon, Inc
Classification: Uncertain significance for Familial intrahepatic cholestasis. Last evaluated: 2026-04-14. Review status: criteria provided, single submitter. Criteria: Genomenon Sequence Variant Interpretation Standards - Updated. Collection method: curation. Allele origin: germline. Affected: no.
Comment: ABCB11 p.Lys718Glu (c.2152A>G) is a missense variant that changes the amino acid at residue 718 from Lysine to Glutamic acid. This variant has been reported in the published literature (PMID:37208429). It is absent or not present at a significant frequency in gnomAD. In silico models predict that this variant is not damaging. In conclusion, we classify ABCB11 p.Lys718Glu (c.2152A>G) as a variant of uncertain significance.

Literature cited by the submitters: PubMed 37208429.